The following is an entry in ClinVar:

NM_001035.3(RYR2):c.10555-3C>A

Gene: RYR2 (ryanodine receptor 2; plus strand). Cytogenetic location: 1q43.
Variant type: single nucleotide variant.
Coding change: c.10555-3C>A on transcript NM_001035.3 (MANE Select); 3 bases into the intron before coding-DNA position 10555, C replaced by A.
Molecular consequence: intron variant.
Genome position (GRCh38, 1-based): chr1:237,723,125, C>A. VCF-style: chr1-237723125-C-A. GRCh37 (hg19) VCF-style: chr1-237886425-C-A.
Identifiers: ClinVar variation 1778272 (VCV001778272.4), dbSNP rs1202806553, ClinGen allele CA733302296.
Genomic context (GRCh38, chr1:237,723,125, plus strand): 5'-TAGATTGTAACCTTGTTTTTAGATTCCCATCTTCCCATTGTAACCTTTTCCTTTTTTCTG[C>A]AGTTGGAGGATCCTGCTATTAGATGGCAAATGGCTCTTTACAAAGACTTACCAAACAGGA-3'

ClinVar aggregate classification (germline): Uncertain significance. Review status: criteria provided, multiple submitters, no conflicts (2 of 4 stars). 3 submissions from 3 submitters: Uncertain significance (3). Last evaluated 2025-09-10.

Conditions:
Catecholaminergic polymorphic ventricular tachycardia 1. Also called: VENTRICULAR TACHYCARDIA, CATECHOLAMINERGIC POLYMORPHIC, 1, WITH OR WITHOUT ATRIAL DYSFUNCTION AND/OR DILATED CARDIOMYOPATHY; VENTRICULAR TACHYCARDIA, STRESS-INDUCED POLYMORPHIC 1; RYR2-Related Catecholaminergic Polymorphic Ventricular Tachycardia. Identifiers: Orphanet 3286, MedGen C1631597, MONDO:0011484, OMIM 604772.
Cardiovascular phenotype. Identifiers: MedGen CN230736.
Catecholaminergic polymorphic ventricular tachycardia (CVPT). Also called: Catecholamine-induced polymorphic ventricular tachycardia. Identifiers: Orphanet 3286, MedGen C5574922, MONDO:0017990.

Allele frequency attached by ClinVar (database versions not stated): TOPMed 0.00001.

Submissions (3):

Labcorp Genetics (formerly Invitae), Labcorp
Classification: Uncertain significance for Catecholaminergic polymorphic ventricular tachycardia 1. Last evaluated: 2025-09-10. Review status: criteria provided, single submitter. Criteria: Invitae Variant Classification Sherloc (09022015). Collection method: clinical testing. Allele origin: germline.
Comment: This sequence change falls in intron 73 of the RYR2 gene. It does not directly change the encoded amino acid sequence of the RYR2 protein. It affects a nucleotide within the consensus splice site. This variant is not present in population databases (gnomAD no frequency). This variant has not been reported in the literature in individuals affected with RYR2-related conditions. ClinVar contains an entry for this variant (Variation ID: 1778272). Variants that disrupt the consensus splice site are a relatively common cause of aberrant splicing (PMID: 17576681, 9536098). Algorithms developed to predict the effect of sequence changes on RNA splicing suggest that this variant is not likely to affect RNA splicing. In summary, the available evidence is currently insufficient to determine the role of this variant in disease. Therefore, it has been classified as a Variant of Uncertain Significance.

All of Us Research Program, National Institutes of Health
Classification: Uncertain significance for Catecholaminergic polymorphic ventricular tachycardia. Last evaluated: 2023-12-13. Review status: criteria provided, single submitter. Criteria: ACMG Guidelines, 2015. Collection method: clinical testing. Allele origin: germline. Inheritance: Autosomal dominant inheritance. Observed: 2 variant alleles, 2 heterozygotes.
Comment: This variant causes a C to A nucleotide substitution at the -3 position of intron 73 of the RYR2 gene. To our knowledge, functional studies have not been reported for this variant. This variant has not been reported in individuals affected with RYR2-related disorders in the literature. This variant has not been identified in the general population by the Genome Aggregation Database (gnomAD). The available evidence is insufficient to determine the role of this variant in disease conclusively. Therefore, this variant is classified as a Variant of Uncertain Significance.

This study involves interpretation of variants in research participants for the purpose of population health screening. Participant phenotype was not available at the time of variant classification. Additional details can be found in publication PMID: 35346344, PMCID: PMC8962531

Ambry Genetics
Classification: Uncertain significance for Cardiovascular phenotype. Last evaluated: 2019-08-14. Review status: criteria provided, single submitter. Criteria: Ambry Variant Classification Scheme 2023. Collection method: clinical testing. Allele origin: germline.
Comment: The c.10555-3C>A intronic variant results from a C to A substitution 3 nucleotides upstream from coding exon 74 in the RYR2 gene. This nucleotide position is not well conserved in available vertebrate species. Using two different splice site prediction tools, this alteration is predicted by ESEfinder to weaken the efficiency of the native splice acceptor site, but is not predicted to have a deleterious effect on this splice acceptor site by BDGP; however, direct evidence is unavailable. Since supporting evidence is limited at this time, the clinical significance of this alteration remains unclear.

Literature cited by the submitters: PubMed 17576681 (cited by Labcorp Genetics (formerly Invitae), Labcorp); PubMed 9536098 (cited by Labcorp Genetics (formerly Invitae), Labcorp).